The following is an entry in ClinVar:

NM_001145358.2(SIN3A):c.3643G>A (p.Asp1215Asn)

Gene: SIN3A (SIN3 transcription regulator family member A; minus strand). Cytogenetic location: 15q24.2.
Variant type: single nucleotide variant.
Coding change: c.3643G>A on transcript NM_001145358.2 (MANE Select); coding-DNA position 3643, G replaced by A.
Protein change: p.Asp1215Asn; replaces aspartic acid 1215 with asparagine.
Molecular consequence: missense variant.
Genome position (GRCh38, 1-based): chr15:75,372,158, C>T on the plus strand (G>A on the coding strand, the complement: SIN3A is on the minus strand). VCF-style: chr15-75372158-C-T. GRCh37 (hg19) VCF-style: chr15-75664499-C-T.
Other names: c.3643G>A, p.Asp1215Asn (NM_001145357.2, NM_015477.3); c.3643G>A (NM_001145358.1); short protein forms D1215N.
Identifiers: ClinVar variation 2185011 (VCV002185011.5), dbSNP rs757810589, ClinGen allele CA7667182.

ClinVar aggregate classification (germline): Conflicting classifications of pathogenicity. Review status: criteria provided, conflicting classifications (1 of 4 stars). 2 submissions from 2 submitters: Uncertain significance (1); Likely benign (1). Last evaluated 2025-04-25.

Conditions:
Inborn genetic diseases. Identifiers: MedGen C0950123, MeSH D030342.

Allele frequency attached by ClinVar (database versions not stated): gnomAD 0.00009; TOPMed 0.00013.
gnomAD v4.1: 209 of 1,613,986 alleles (0.013%); highest among the groups gnomAD compares: Non-Finnish European, 0.017%; no homozygotes.

Submissions (2):

Ambry Genetics
Classification: Likely benign for Inborn genetic diseases. Last evaluated: 2025-04-25. Review status: criteria provided, single submitter. Criteria: Ambry Variant Classification Scheme 2023. Collection method: clinical testing. Allele origin: germline.

Labcorp Genetics (formerly Invitae), Labcorp
Classification: Uncertain significance. Last evaluated: 2025-04-21. Review status: criteria provided, single submitter. Criteria: Invitae Variant Classification Sherloc (09022015). Collection method: clinical testing. Allele origin: germline.
Comment: This sequence change replaces aspartic acid, which is acidic and polar, with asparagine, which is neutral and polar, at codon 1215 of the SIN3A protein (p.Asp1215Asn). This variant is present in population databases (rs757810589, gnomAD 0.01%). This variant has not been reported in the literature in individuals affected with SIN3A-related conditions. ClinVar contains an entry for this variant (Variation ID: 2185011). Invitae Evidence Modeling of protein sequence and biophysical properties (such as structural, functional, and spatial information, amino acid conservation, physicochemical variation, residue mobility, and thermodynamic stability) indicates that this missense variant is not expected to disrupt SIN3A protein function with a negative predictive value of 80%. In summary, the available evidence is currently insufficient to determine the role of this variant in disease. Therefore, it has been classified as a Variant of Uncertain Significance.